The following is an entry in ClinVar:

ClinVar aggregate classification (germline): Pathogenic (1 of 4 stars; one submission).

Conditions:
Duchenne muscular dystrophy (DMD). Also called: MUSCULAR DYSTROPHY, PSEUDOHYPERTROPHIC PROGRESSIVE, DUCHENNE TYPE; Duchenne Muscular Dystrophy (DMD). Identifiers: Orphanet 98896, MedGen C0013264, MONDO:0010679, OMIM 310200.

Submission:

Labcorp Genetics (formerly Invitae), Labcorp
Classification: Pathogenic for Duchenne muscular dystrophy. Last evaluated: 2024-01-24. Review status: criteria provided, single submitter. Criteria: Invitae Variant Classification Sherloc (09022015). Collection method: clinical testing. Allele origin: unknown.
Comment: This variant is a gross deletion of the genomic region encompassing exon(s) 49-51 of the DMD gene. This variant would be expected to be in-frame, preserving the integrity of the reading frame. A similar copy number variant has been observed in individuals with DMD-related conditions (PMID: 9470882, 9619643, 20031633, 23438214; Invitae). For these reasons, this variant has been classified as Pathogenic.

Literature cited by the submitters: PubMed 9470882; PubMed 9619643; PubMed 20031633; PubMed 23438214.

NC_000023.11:g.(?_31773940)_(31836839_?)del

Gene: DMD (dystrophin; minus strand). Cytogenetic location: Xp21.1.
Variant type: Deletion.
Identifiers: ClinVar variation 3248256 (VCV003248256.1).